The following is an entry in ClinVar:

ClinVar aggregate classification (germline): Likely pathogenic. Review status: criteria provided, single submitter (1 of 4 stars). 3 submissions from 2 submitters: Likely pathogenic (1). 2 of the submissions do not count toward it. Last evaluated 2024-07-19.

Conditions:
Zellweger spectrum disorders (ZS). Also called: Zellweger Spectrum Disorder (ZSD); Zellweger Spectrum Disorder; Zellweger Spectrum; Zellweger syndrome. Identifiers: Orphanet 912, MedGen C0043459, MONDO:0019609.
Peroxisome biogenesis disorder 1B (PBD1B). Also called: Refsum disease, infantile form; Infantile Refsum disease; Infantile form of phytanic acid storage disease; PEROXISOME BIOGENESIS DISORDER (NEONATAL ADRENOLEUKODYSTROPHY/INFANTILE REFSUM DISEASE); INFANTILE PHYTANIC ACID STORAGE DISEASE; PEROXISOME BIOGENESIS DISORDER (NALD/IRD). Identifiers: Orphanet 44, MedGen C0282527, MONDO:0011101, OMIM 601539.
Peroxisome biogenesis disorder 1A (Zellweger) (PBD1A). Also called: Zellweger leukodystrophy; Peroxisome biogenesis disorder 1a. Identifiers: MedGen C4721541, MONDO:0008953, OMIM 214100.

Submissions (3):

Natera, Inc.
Classification: Likely pathogenic for Zellweger syndrome. Last evaluated: 2024-07-19. Review status: criteria provided, single submitter. Criteria: Natera Variant Classification Schema (03/2026). Collection method: clinical testing. Allele origin: germline.
Comment: The c.431dup variant in PEX1 is a frameshift variant predicted to shift the reading frame beginning at codon 145 and leads to a stop codon 4 codons downstream. This variant is expected to result in nonsense mediated decay, truncation, or a dysfunctional protein product. This variant is rare in the general population with a frequency below the threshold expected for the associated phenotype(s). Given the available evidence, this variant is classified as Likely Pathogenic.

Counsyl
Classification: Likely pathogenic for Peroxisome biogenesis disorder 1A (Zellweger). Last evaluated: 2016-06-21. Review status: no assertion criteria provided. Collection method: clinical testing. Allele origin: unknown. Not counted in ClinVar's aggregate classification.

Counsyl
Classification: Likely pathogenic for Peroxisome biogenesis disorder 1B. Last evaluated: 2016-06-21. Review status: no assertion criteria provided. Collection method: clinical testing. Allele origin: unknown. Not counted in ClinVar's aggregate classification.

NM_000466.3(PEX1):c.431dup (p.Val145fs)

Gene: PEX1 (peroxisomal biogenesis factor 1; minus strand). Cytogenetic location: 7q21.2.
Variant type: Duplication.
Coding change: c.431dup on transcript NM_000466.3 (MANE Select); coding-DNA position 431, one base duplicated (C; older notation c.431dupC).
Protein change: p.Val145fs; shifts the reading frame from valine 145.
Molecular consequence: frameshift variant. On other transcripts: 5 prime UTR variant (1).
Genome position (GRCh38, 1-based): chr7:92,518,182, G duplicated on the plus strand (C on the coding strand, the reverse complement: PEX1 is on the minus strand); the first of 2 consecutive G bases (chr7:92,518,182-92,518,183); duplicating either gives the same sequence. VCF-style (leftmost placement, unchanged base first): chr7-92518181-A-AG. GRCh37 (hg19) VCF-style: chr7-92147495-A-AG.
Other names: c.431dup, p.Val145fs (NM_001282677.2); c.-194dup (NM_001282678.2); c.431dupC (NM_000466.2); c.431dup (NM_000466.2); short protein forms V145fs.
Identifiers: ClinVar variation 371752 (VCV000371752.4), dbSNP rs1057517506, ClinGen allele CA16041172.